The following is an entry in ClinVar:

ClinVar aggregate classification (germline): Uncertain significance (0 of 4 stars; one submission).

Conditions:
PCNT-related disorder. Also called: PCNT-related condition.

Submission:

PreventionGenetics, part of Exact Sciences
Classification: Uncertain significance for PCNT-related condition. Last evaluated: 2023-12-08. Review status: no assertion criteria provided. Collection method: clinical testing. Allele origin: germline.
Comment: The PCNT c.7937A>G variant is predicted to result in the amino acid substitution p.Asn2646Ser. To our knowledge, this variant has not been reported in the literature or in a large population database, indicating this variant is rare. At this time, the clinical significance of this variant is uncertain due to the absence of conclusive functional and genetic evidence.

NM_006031.6(PCNT):c.7937A>G (p.Asn2646Ser)

Gene: PCNT (pericentrin; plus strand). Cytogenetic location: 21q22.3.
Variant type: single nucleotide variant.
Coding change: c.7937A>G on transcript NM_006031.6 (MANE Select); coding-DNA position 7937, A replaced by G.
Protein change: p.Asn2646Ser; replaces asparagine 2646 with serine.
Molecular consequence: missense variant.
Genome position (GRCh38, 1-based): chr21:46,430,530, A>G. VCF-style: chr21-46430530-A-G. GRCh37 (hg19) VCF-style: chr21-47850444-A-G.
Other names: c.7583A>G, p.Asn2528Ser (NM_001315529.2); short protein forms N2528S, N2646S.
Identifiers: ClinVar variation 3349138 (VCV003349138.1).